The following is an entry in ClinVar:

ClinVar aggregate classification (germline): Likely benign (1 of 4 stars; one submission).

gnomAD v4.1: 67 of 1,612,422 alleles (0.0042%); highest among the groups gnomAD compares: African/African-American, 0.008%; no homozygotes.

Submission:

CeGaT Center for Human Genetics Tuebingen
Classification: Likely benign. Last evaluated: 2026-07-01. Review status: criteria provided, single submitter. Criteria: CeGaT Center For Human Genetics Tuebingen Variant Classification Criteria Version 2. Collection method: clinical testing. Allele origin: germline. Affected: yes. Observed: 1 variant allele.
Comment: MAPK8IP3: BP4, BP7

NM_001318852.2(MAPK8IP3):c.3288G>A (p.Ala1096=)

Gene: MAPK8IP3 (mitogen-activated protein kinase 8 interacting protein 3; plus strand). Cytogenetic location: 16p13.3.
Variant type: single nucleotide variant.
Coding change: c.3288G>A on transcript NM_001318852.2 (MANE Select); coding-DNA position 3288, G replaced by A.
Protein change: p.Ala1096=; no amino-acid change (alanine 1096 retained).
Molecular consequence: synonymous variant.
Genome position (GRCh38, 1-based): chr16:1,767,614, G>A. VCF-style: chr16-1767614-G-A. GRCh37 (hg19) VCF-style: chr16-1817615-G-A.
Other names: c.3267G>A, p.Ala1089= (NM_001040439.2); c.3285G>A, p.Ala1095= (NM_015133.5).
Identifiers: ClinVar variation 5038997 (VCV005038997.1).